The following is an entry in ClinVar:

NM_014946.4(SPAST):c.865C>T (p.His289Tyr)

Gene: SPAST (spastin; plus strand). Cytogenetic location: 2p22.3.
Variant type: single nucleotide variant.
Coding change: c.865C>T on transcript NM_014946.4 (MANE Select); coding-DNA position 865, C replaced by T.
Protein change: p.His289Tyr; replaces histidine 289 with tyrosine.
Molecular consequence: missense variant.
Genome position (GRCh38, 1-based): chr2:32,114,820, C>T. VCF-style: chr2-32114820-C-T. GRCh37 (hg19) VCF-style: chr2-32339889-C-T.
Other names: c.862C>T, p.His288Tyr (NM_001363823.2); c.766C>T, p.His256Tyr (NM_001363875.2); c.769C>T, p.His257Tyr (NM_001377959.1, NM_199436.2); short protein forms H289Y, H288Y, H256Y, H257Y.
Identifiers: ClinVar variation 335833 (VCV000335833.22), dbSNP rs74688377, ClinGen allele CA1600722.

ClinVar aggregate classification (germline): Benign/Likely benign. Review status: criteria provided, multiple submitters, no conflicts (2 of 4 stars). 5 submissions from 5 submitters: Benign (4); Likely benign (1). Last evaluated 2026-03-01.

Conditions:
Hereditary spastic paraplegia 4. Also called: Spastic Paraplegia 4; Spastic paraplegia 4, autosomal dominant; Familial spastic paraplegia autosomal dominant 2. Identifiers: Orphanet 100985, MedGen C1866855, MONDO:0008438, OMIM 182601.

Allele frequency attached by ClinVar (database versions not stated): gnomAD exomes 0.00021 and 0.00053; ExAC 0.00064; gnomAD 0.00198 and 0.00210; TOPMed 0.00229; ESP Exome Variant Server 0.00231; 1000 Genomes Project 30x 0.00234; 1000 Genomes Project 0.00260.
gnomAD v4.1: 625 of 1,613,368 alleles (0.039%); highest among the groups gnomAD compares: African/African-American, 0.73%; 2 homozygotes.

Submissions (5):

CeGaT Center for Human Genetics Tuebingen
Classification: Likely benign. Last evaluated: 2026-03-01. Review status: criteria provided, single submitter. Criteria: CeGaT Center For Human Genetics Tuebingen Variant Classification Criteria Version 2. Collection method: clinical testing. Allele origin: germline. Affected: yes. Observed: 2 variant alleles.
Comment: SPAST: BS1

Labcorp Genetics (formerly Invitae), Labcorp
Classification: Benign for Hereditary spastic paraplegia 4. Last evaluated: 2026-01-09. Review status: criteria provided, single submitter. Criteria: Invitae Variant Classification Sherloc (09022015). Collection method: clinical testing. Allele origin: germline.

Athena Diagnostics
Classification: Benign. Last evaluated: 2025-10-07. Review status: criteria provided, single submitter. Criteria: Athena Diagnostics Criteria. Collection method: clinical testing. Allele origin: unknown.
Comment: The frequency of this variant in the general population is higher than would generally be expected for pathogenic variants in this gene. Computational tools predict this amino acid change may be benign. This variant has been seen where an alternate explanation for disease was also identified.

GeneDx
Classification: Benign. Last evaluated: 2019-05-17. Review status: criteria provided, single submitter. Criteria: GeneDx Variant Classification Process June 2021. Collection method: clinical testing. Allele origin: germline. Affected: yes.

Illumina Laboratory Services, Illumina
Classification: Benign for Hereditary spastic paraplegia 4. Last evaluated: 2018-01-12. Review status: criteria provided, single submitter. Criteria: ICSL Variant Classification Criteria 13 December 2019. Collection method: clinical testing. Allele origin: germline.
Comment: This variant was observed in the ICSL laboratory as part of a predisposition screen in an ostensibly healthy population. It had not been previously curated by ICSL or reported in the Human Gene Mutation Database (HGMD: prior to June 1st, 2018), and was therefore a candidate for classification through an automated scoring system. Utilizing variant allele frequency, disease prevalence and penetrance estimates, and inheritance mode, an automated score was calculated to assess if this variant is too frequent to cause the disease. Based on the score and internal cut-off values, a variant classified as benign is not then subjected to further curation. The score for this variant resulted in a classification of benign for this disease.